The following is an entry in ClinVar:

ClinVar aggregate classification (germline): Pathogenic. Review status: criteria provided, multiple submitters, no conflicts (2 of 4 stars). 3 submissions from 3 submitters: Pathogenic (3). Last evaluated 2024-07-30.

Conditions:
Sotos syndrome (SOTOS). Also called: Distinctive facial appearance, overgrowth in childhood, and learning disabilities or delayed development; CEREBRAL GIGANTISM; Sotos' syndrome; CHROMOSOME 5q35 DELETION SYNDROME; SOTOS SYNDROME 1. Identifiers: Orphanet 821, MedGen C0175695, MONDO:0019349, OMIM 117550.

Submissions (3):

GeneDx
Classification: Pathogenic. Last evaluated: 2024-07-30. Review status: criteria provided, single submitter. Criteria: GeneDx Variant Classification Process June 2021. Collection method: clinical testing. Allele origin: germline. Affected: yes.
Comment: Nonsense variant predicted to result in protein truncation or nonsense mediated decay in a gene for which loss of function is a known mechanism of disease; Not observed at significant frequency in large population cohorts (gnomAD); Has not been previously published as pathogenic or benign to our knowledge

Genome-Nilou Lab
Classification: Pathogenic for Sotos syndrome. Last evaluated: 2021-07-15. Review status: criteria provided, single submitter. Criteria: ACMG Guidelines, 2015. Collection method: clinical testing. Allele origin: germline. Affected: no.

Genetic Services Laboratory, University of Chicago
Classification: Pathogenic for Sotos syndrome 1. Last evaluated: 2013-02-08. Review status: criteria provided, single submitter. Criteria: ACMG Guidelines, 2007. Collection method: clinical testing. Allele origin: germline. Inheritance: Autosomal dominant inheritance. Affected: yes.

NM_022455.5(NSD1):c.5309G>A (p.Trp1770Ter)

Genes: NSD1 (nuclear receptor binding SET domain protein 1; plus strand), LOC126807619 (MED14-independent group 3 enhancer GRCh37_chr5:176696443-176697642; plus strand). Cytogenetic location: 5q35.3.
Variant type: single nucleotide variant.
Coding change: c.5309G>A on transcript NM_022455.5 (MANE Select); coding-DNA position 5309, G replaced by A.
Protein change: p.Trp1770Ter; replaces tryptophan 1770 with a stop codon.
Molecular consequence: nonsense.
Genome position (GRCh38, 1-based): chr5:177,269,607, G>A. VCF-style: chr5-177269607-G-A. GRCh37 (hg19) VCF-style: chr5-176696608-G-A.
Other names: c.4436G>A, p.Trp1479Ter (NM_001365684.2, NM_001409308.1, NM_001409309.1 and 1 more transcripts); c.5309G>A, p.Trp1770Ter (NM_001409301.1, NM_001409302.1, NM_001409303.1); c.4889G>A, p.Trp1630Ter (NM_001409304.1); c.4556G>A, p.Trp1519Ter (NM_001409305.1); c.4547G>A, p.Trp1516Ter (NM_001409306.1, NM_001409307.1); short protein forms W1770*, W1501*, W1516*, W1519*, W1479*, W1630*.
Identifiers: ClinVar variation 159363 (VCV000159363.11), dbSNP rs587784142, ClinGen allele CA294944.